The following is an entry in ClinVar:

NM_001127222.2(CACNA1A):c.3882+13T>C

Gene: CACNA1A (calcium voltage-gated channel subunit alpha1 A; minus strand). Cytogenetic location: 19p13.13.
Variant type: single nucleotide variant.
Coding change: c.3882+13T>C on transcript NM_001127222.2 (MANE Select); 13 bases into the intron after coding-DNA position 3882, T replaced by C.
Molecular consequence: intron variant.
Genome position (GRCh38, 1-based): chr19:13,277,056, A>G on the plus strand (T>C on the coding strand, the complement: CACNA1A is on the minus strand). VCF-style: chr19-13277056-A-G. GRCh37 (hg19) VCF-style: chr19-13387870-A-G.
Other names: c.3885+13T>C (NM_001127221.2, NM_001174080.2); c.3894+13T>C (NM_000068.4, NM_023035.3).
Identifiers: ClinVar variation 385466 (VCV000385466.9), dbSNP rs779233415, ClinGen allele CA9240167.
Genomic context (GRCh38, chr19:13,277,056, plus strand): 5'-TCCACTGTGCCCAGCCCTGCACTTGCTTAAAAAAAAAAATTACCGTGTGTTCTCACTTAT[A>G]ATCTGCACTCACCTTGATCACCATCTCAAAGGTAAAGACGCCTGTAAAAACGTAGTCAAA-3'

ClinVar aggregate classification (germline): Benign/Likely benign. Review status: criteria provided, multiple submitters, no conflicts (2 of 4 stars). 2 submissions from 2 submitters: Benign (1); Likely benign (1). Last evaluated 2025-12-17.

Conditions:
Episodic ataxia type 2 (EA2). Also called: ATAXIA, EPISODIC, WITH NYSTAGMUS; ATAXIA, FAMILIAL PAROXYSMAL; CEREBELLAR ATAXIA, PAROXYSMAL, ACETAZOLAMIDE-RESPONSIVE; CEREBELLOPATHY, HEREDITARY PAROXYSMAL; EPISODIC ATAXIA, NYSTAGMUS-ASSOCIATED; ACETAZOLAMIDE-RESPONSIVE HEREDITARY PAROXYSMAL CEREBELLAR ATAXIA. Identifiers: Orphanet 97, MedGen C1720416, MONDO:0007163, OMIM 108500.
Developmental and epileptic encephalopathy, 42 (DEE42A). Also called: Epileptic encephalopathy, early infantile, 42; DEVELOPMENTAL AND EPILEPTIC ENCEPHALOPATHY 42A; EPILEPTIC ENCEPHALOPATHY, EARLY INFANTILE, 42A. Identifiers: MedGen C4310716, MONDO:0014917, OMIM 617106.

Allele frequency attached by ClinVar (database versions not stated): gnomAD 0.00001 and 0.00002; TOPMed 0.00001; gnomAD exomes 0.00008 and 0.00013; ExAC 0.00016.
gnomAD v4.1: 115 of 1,596,546 alleles (0.0072%); highest among the groups gnomAD compares: South Asian, 0.12%; no homozygotes.

Submissions (2):

Labcorp Genetics (formerly Invitae), Labcorp
Classification: Benign for Developmental and epileptic encephalopathy, 42; Episodic ataxia type 2. Last evaluated: 2025-12-17. Review status: criteria provided, single submitter. Criteria: Invitae Variant Classification Sherloc (09022015). Collection method: clinical testing. Allele origin: germline.

GeneDx
Classification: Likely benign. Last evaluated: 2016-04-20. Review status: criteria provided, single submitter. Criteria: GeneDx Variant Classification (06012015). Collection method: clinical testing. Allele origin: germline. Affected: yes.
Comment: This variant is considered likely benign or benign based on one or more of the following criteria: it is a conservative change, it occurs at a poorly conserved position in the protein, it is predicted to be benign by multiple in silico algorithms, and/or has population frequency not consistent with disease.